The following is an entry in ClinVar:

NM_207308.3(NUP210L):c.4239T>C (p.Tyr1413=)

Gene: NUP210L (nucleoporin 210 like; minus strand). Cytogenetic location: 1q21.3.
Variant type: single nucleotide variant.
Coding change: c.4239T>C on transcript NM_207308.3 (MANE Select); coding-DNA position 4239, T replaced by C.
Protein change: p.Tyr1413=; no amino-acid change (tyrosine 1413 retained).
Molecular consequence: synonymous variant.
Genome position (GRCh38, 1-based): chr1:154,023,181, A>G on the plus strand (T>C on the coding strand, the complement: NUP210L is on the minus strand). VCF-style: chr1-154023181-A-G. GRCh37 (hg19) VCF-style: chr1-153995657-A-G.
Other names: c.4239T>C, p.Tyr1413= (NM_001159484.1).
Identifiers: ClinVar variation 2639366 (VCV002639366.24), dbSNP rs2525140373, ClinGen allele CA420835653.

ClinVar aggregate classification (germline): Likely benign (1 of 4 stars; one submission).

Submission:

CeGaT Center for Human Genetics Tuebingen
Classification: Likely benign. Last evaluated: 2022-06-01. Review status: criteria provided, single submitter. Criteria: CeGaT Center For Human Genetics Tuebingen Variant Classification Criteria Version 2. Collection method: clinical testing. Allele origin: germline. Affected: yes. Observed: 1 variant allele.
Comment: NUP210L: PM2:Supporting, BP4, BP7